The following is an entry in ClinVar:

ClinVar aggregate classification (germline): Uncertain significance (1 of 4 stars; one submission).

Submission:

Labcorp Genetics (formerly Invitae), Labcorp
Classification: Uncertain significance. Last evaluated: 2024-10-02. Review status: criteria provided, single submitter. Criteria: Invitae Variant Classification Sherloc (09022015). Collection method: clinical testing. Allele origin: germline.
Comment: This sequence change replaces aspartic acid, which is acidic and polar, with asparagine, which is neutral and polar, at codon 21 of the UNC45B protein (p.Asp21Asn). This variant is not present in population databases (gnomAD no frequency). This variant has not been reported in the literature in individuals affected with UNC45B-related conditions. Invitae Evidence Modeling of protein sequence and biophysical properties (such as structural, functional, and spatial information, amino acid conservation, physicochemical variation, residue mobility, and thermodynamic stability) indicates that this missense variant is not expected to disrupt UNC45B protein function with a negative predictive value of 80%. In summary, the available evidence is currently insufficient to determine the role of this variant in disease. Therefore, it has been classified as a Variant of Uncertain Significance.

NM_001267052.2(UNC45B):c.61G>A (p.Asp21Asn)

Gene: UNC45B (unc-45 myosin chaperone B; plus strand). Cytogenetic location: 17q12.
Variant type: single nucleotide variant.
Coding change: c.61G>A on transcript NM_001267052.2 (MANE Select); coding-DNA position 61, G replaced by A.
Protein change: p.Asp21Asn; replaces aspartic acid 21 with asparagine.
Molecular consequence: missense variant.
Genome position (GRCh38, 1-based): chr17:35,148,324, G>A. VCF-style: chr17-35148324-G-A. GRCh37 (hg19) VCF-style: chr17-33475343-G-A.
Other names: c.61G>A, p.Asp21Asn (NM_001033576.2, NM_001308281.1, NM_173167.3); short protein forms D21N.
Identifiers: ClinVar variation 3655903 (VCV003655903.2).